The following is an entry in ClinVar:

ClinVar aggregate classification (germline): Pathogenic. Review status: criteria provided, multiple submitters, no conflicts (2 of 4 stars). 2 submissions from 2 submitters: Pathogenic (2). Last evaluated 2021-11-02.

Conditions:
Familial thoracic aortic aneurysm and aortic dissection (TAAD). Also called: Thoracic aortic aneurysms and dissections. Identifiers: Orphanet 91387, MedGen C4707243, MONDO:0019625.

Submissions (2):

CHEO Genetics Diagnostic Laboratory, Children's Hospital of Eastern Ontario
Classification: Pathogenic for Familial thoracic aortic aneurysm and aortic dissection. Last evaluated: 2021-11-02. Review status: criteria provided, single submitter. Criteria: ACMG Guidelines, 2015. Collection method: clinical testing. Allele origin: germline.

Ambry Genetics
Classification: Pathogenic for Familial thoracic aortic aneurysm and aortic dissection. Last evaluated: 2015-03-02. Review status: criteria provided, single submitter. Criteria: Ambry Variant Classification Scheme 2023. Collection method: clinical testing. Allele origin: germline.
Comment: The p.Q2598* pathogenic mutation (also known as c.7792C>T), located in coding exon 62 of the FBN1 gene, results from a C to T substitution at nucleotide position 7792. This changes the amino acid from a glutamine to a stop codon within coding exon 62. Since premature stop codons are typically deleterious in nature, this alteration is interpreted as a disease-causing mutation (ACMG Recommendations for Standards for Interpretation and Reporting of Sequence Variations. Revision 2007. Genet Med. 2008;10:294).

NM_000138.5(FBN1):c.7792C>T (p.Gln2598Ter)

Gene: FBN1 (fibrillin 1; minus strand). Cytogenetic location: 15q21.1.
Variant type: single nucleotide variant.
Coding change: c.7792C>T on transcript NM_000138.5 (MANE Select); coding-DNA position 7792, C replaced by T.
Protein change: p.Gln2598Ter; replaces glutamine 2598 with a stop codon.
Molecular consequence: nonsense.
Genome position (GRCh38, 1-based): chr15:48,420,714, G>A on the plus strand (C>T on the coding strand, the complement: FBN1 is on the minus strand). VCF-style: chr15-48420714-G-A. GRCh37 (hg19) VCF-style: chr15-48712911-G-A.
Other names: short protein forms Q2598*.
Identifiers: ClinVar variation 263920 (VCV000263920.7), dbSNP rs886038975, ClinGen allele CA10587788.